The following is an entry in ClinVar:

NM_005219.5(DIAPH1):c.685-5A>G

Gene: DIAPH1 (diaphanous related formin 1; minus strand). Cytogenetic location: 5q31.3.
Variant type: single nucleotide variant.
Coding change: c.685-5A>G on transcript NM_005219.5 (MANE Select); 5 bases into the intron before coding-DNA position 685, A replaced by G.
Molecular consequence: intron variant.
Genome position (GRCh38, 1-based): chr5:141,580,888, T>C on the plus strand (A>G on the coding strand, the complement: DIAPH1 is on the minus strand). VCF-style: chr5-141580888-T-C. GRCh37 (hg19) VCF-style: chr5-140960455-T-C.
Other names: c.658-5A>G (NM_001079812.3); c.685-5A>G (NM_001314007.2).
Identifiers: ClinVar variation 228578 (VCV000228578.17), dbSNP rs367786290, ClinGen allele CA3479498.
Genomic context (GRCh38, chr5:141,580,888, plus strand): 5'-GCTCTGACCAGCAGTAGGATTCCTTCTTCTGTCTCCAACATGGTCTTGATTCCAAACTGG[T>C]AGGACCAAGAACAAAGAAAGGAGGCTGAAAGACGAAAGCATCTAACTGGGGGACAAGTTT-3'

ClinVar aggregate classification (germline): Conflicting classifications of pathogenicity. Review status: criteria provided, conflicting classifications (1 of 4 stars). 4 submissions from 4 submitters: Uncertain significance (1); Likely benign (3). Last evaluated 2025-12-26.

Conditions:
Progressive microcephaly-seizures-cortical blindness-developmental delay syndrome. Also called: Seizures, cortical blindness, and microcephaly syndrome. Identifiers: Orphanet 477814, MedGen C5567650, MONDO:0014714, OMIM 616632.
Autosomal dominant nonsyndromic hearing loss 1. Also called: DEAFNESS, AUTOSOMAL DOMINANT 1, WITH OR WITHOUT THROMBOCYTOPENIA; KONIGSMARK SYNDROME. Identifiers: Orphanet 90635, MedGen C1852282, MONDO:0007424, OMIM 124900.

Allele frequency attached by ClinVar (database versions not stated): ExAC 0.00014; gnomAD exomes 0.00014 and 0.00015; ESP Exome Variant Server 0.00017; TOPMed 0.00017; gnomAD 0.00022 and 0.00023.
gnomAD v4.1: 245 of 1,613,954 alleles (0.015%); highest among the groups gnomAD compares: Middle Eastern, 0.049%; 1 homozygote.

Submissions (4):

Labcorp Genetics (formerly Invitae), Labcorp
Classification: Likely benign for Progressive microcephaly-seizures-cortical blindness-developmental delay syndrome; Autosomal dominant nonsyndromic hearing loss 1. Last evaluated: 2025-12-26. Review status: criteria provided, single submitter. Criteria: Invitae Variant Classification Sherloc (09022015). Collection method: clinical testing. Allele origin: germline.

Blueprint Genetics
Classification: Likely benign. Last evaluated: 2024-10-07. Review status: criteria provided, single submitter. Criteria: ACMG Guidelines, 2015. Collection method: clinical testing. Allele origin: germline.

GeneDx
Classification: Likely benign. Last evaluated: 2020-06-01. Review status: criteria provided, single submitter. Criteria: GeneDx Variant Classification Process June 2021. Collection method: clinical testing. Allele origin: germline. Affected: yes.

Laboratory for Molecular Medicine, Mass General Brigham Personalized Medicine
Classification: Uncertain significance. Last evaluated: 2015-02-04. Review status: criteria provided, single submitter. Criteria: LMM Criteria. Collection method: clinical testing. Allele origin: germline. Observed: 1 variant allele.
Comment: Variant classified as Uncertain Significance - Favor Benign. The c.685-5A>G vari ant in DIAPH1 has not been previously reported in individuals with hearing loss, but has been identified in 15/67646 of European chromosomes by the Exome Aggreg ation Consortium (ExAC; dbSNP rs367786290). Alt hough this variant has been seen in the general population, its frequency is not high enough to rule out a pathogenic role. This variant is located in the 3' sp lice region. Computational tools do not suggest an impact to splicing. However, this information is not predictive enough to rule out pathogenicity. In summary, while the clinical significance of the c.685-5A>G variant is uncertain, the fre quency data and splice prediction tools suggest that it is more likely to be ben ign.